The following is an entry in ClinVar:

NM_000136.3(FANCC):c.668T>C (p.Val223Ala)

Genes: AOPEP (aminopeptidase O (putative); plus strand), FANCC (FA complementation group C; minus strand). Cytogenetic location: 9q22.32.
Variant type: single nucleotide variant.
Coding change: c.668T>C on transcript NM_000136.3 (MANE Select); coding-DNA position 668, T replaced by C.
Protein change: p.Val223Ala; replaces valine 223 with alanine.
Molecular consequence: missense variant.
Genome position (GRCh38, 1-based): chr9:95,149,941, A>G on the plus strand (T>C on the coding strand, the complement: FANCC is on the minus strand). VCF-style: chr9-95149941-A-G. GRCh37 (hg19) VCF-style: chr9-97912223-A-G.
Other names: c.668T>C, p.Val223Ala (NM_001243743.2, NM_001243744.2); short protein forms V223A.
Identifiers: ClinVar variation 216290 (VCV000216290.29), dbSNP rs751410815, ClinGen allele CA336594.

ClinVar aggregate classification (germline): Conflicting classifications of pathogenicity. Review status: criteria provided, conflicting classifications (1 of 4 stars). 8 submissions from 8 submitters: Uncertain significance (5); Likely benign (2). 1 of the submissions does not count toward it. Last evaluated 2026-09-27.

Conditions:
Fanconi anemia (FA). Also called: Fanconi's anemia. Identifiers: Orphanet 84, MedGen C0015625, MeSH D005199, MONDO:0019391.
Fanconi anemia complementation group C (FANCC). Also called: FANCC-Related Fanconi Anemia; Fanconi anemia, group C; FANCONI PANCYTOPENIA, TYPE 3; FACC. Identifiers: Orphanet 84, MedGen C3468041, MONDO:0009213, OMIM 227645.
Hereditary cancer-predisposing syndrome. Also called: Hereditary Cancer Syndrome; Hereditary neoplastic syndrome; Neoplastic Syndromes, Hereditary; Tumor predisposition. Identifiers: Orphanet 140162, MedGen C0027672, MeSH D009386, MONDO:0015356.

Allele frequency attached by ClinVar (database versions not stated): ExAC 0.00005; TOPMed 0.00006; gnomAD exomes 0.00009 and 0.00002; gnomAD 0.00001.
gnomAD v4.1: 33 of 1,607,676 alleles (0.0021%); highest among the groups gnomAD compares: Admixed American, 0.043%; 1 homozygote.

Submissions (8):

GeneDx
Classification: Uncertain significance. Last evaluated: 2026-09-27. Review status: criteria provided, single submitter. Criteria: GeneDx Variant Classification Process June 2021. Collection method: clinical testing. Allele origin: germline.
Comment: Observed in individuals with breast cancer and reported as a germline variant in a patient with hyperdiploid ALL (PMID: 31102422, 33471991, 35264596); In silico analysis supports that this missense variant has a deleterious effect on protein structure/function; This variant is associated with the following publications: (PMID: Gordon2000[Book], 33471991, 35264596, 31102422, 32546565)

Labcorp Genetics (formerly Invitae), Labcorp
Classification: Uncertain significance for Fanconi anemia. Last evaluated: 2026-02-01. Review status: criteria provided, single submitter. Criteria: Invitae Variant Classification Sherloc (09022015). Collection method: clinical testing. Allele origin: germline.
Comment: This sequence change replaces valine, which is neutral and non-polar, with alanine, which is neutral and non-polar, at codon 223 of the FANCC protein (p.Val223Ala). This variant is present in population databases (rs751410815, gnomAD 0.05%). This missense change has been observed in individual(s) with breast cancer (PMID: 35264596). ClinVar contains an entry for this variant (Variation ID: 216290). Invitae Evidence Modeling of protein sequence and biophysical properties (such as structural, functional, and spatial information, amino acid conservation, physicochemical variation, residue mobility, and thermodynamic stability) has been performed for this missense variant. However, the output from this modeling did not meet the statistical confidence thresholds required to predict the impact of this variant on FANCC protein function. In summary, the available evidence is currently insufficient to determine the role of this variant in disease. Therefore, it has been classified as a Variant of Uncertain Significance.

Quest Diagnostics Nichols Institute San Juan Capistrano
Classification: Uncertain significance. Last evaluated: 2025-09-10. Review status: criteria provided, single submitter. Criteria: Quest Diagnostics criteria. Collection method: clinical testing. Allele origin: unknown.
Comment: The FANCC c.668T>C (p.Val223Ala) variant has been reported in the published literature in individuals with acute lymphoblastic leukemia (PMID: 31102422 (2019)) and breast cancer (PMID: 33471991 (2021); 35264596 (2022), LOVD). This variant has also been identified in a reportedly unaffected individual (PMID: 32546565 (2021)). The frequency of this variant in the general population (Genome Aggregation Database) is higher than would generally be expected for pathogenic variants in this gene. Analysis of this variant using bioinformatics tools for the prediction of the effect of amino acid changes on protein structure and function yielded conflicting predictions that this variant is benign or damaging. Based on the available information, we are unable to determine the clinical significance of this variant.

Mendelics
Classification: Likely benign for Fanconi anemia complementation group C. Last evaluated: 2024-04-09. Review status: criteria provided, single submitter. Criteria: ACMG Guidelines, 2015. Collection method: clinical testing. Allele origin: unknown.

Fulgent Genetics
Classification: Uncertain significance for Fanconi anemia complementation group C. Last evaluated: 2024-02-20. Review status: criteria provided, single submitter. Criteria: ACMG Guidelines, 2015. Collection method: clinical testing. Allele origin: germline.

Ambry Genetics
Classification: Likely benign for Hereditary cancer-predisposing syndrome. Last evaluated: 2023-01-12. Review status: criteria provided, single submitter. Criteria: Ambry Variant Classification Scheme 2023. Collection method: clinical testing. Allele origin: germline.

Genetic Services Laboratory, University of Chicago
Classification: Uncertain significance. Last evaluated: 2018-08-28. Review status: criteria provided, single submitter. Criteria: ACMG Guidelines, 2015. Collection method: clinical testing. Allele origin: germline. Affected: no.

Natera, Inc.
Classification: Uncertain significance for Fanconi anemia. Last evaluated: 2018-07-24. Review status: no assertion criteria provided. Collection method: clinical testing. Allele origin: germline. Not counted in ClinVar's aggregate classification.

Literature cited by the submitters: PubMed 35264596 (cited by Labcorp Genetics (formerly Invitae), Labcorp and Quest Diagnostics Nichols Institute San Juan Capistrano); PubMed 33471991 (cited by Quest Diagnostics Nichols Institute San Juan Capistrano); PubMed 31102422 (cited by Quest Diagnostics Nichols Institute San Juan Capistrano and Ambry Genetics); PubMed 32546565 (cited by Quest Diagnostics Nichols Institute San Juan Capistrano and Ambry Genetics).